The following is an entry in ClinVar:

NM_002860.4(ALDH18A1):c.983C>G (p.Ala328Gly)

Gene: ALDH18A1 (aldehyde dehydrogenase 18 family member A1; minus strand). Cytogenetic location: 10q24.1.
Variant type: single nucleotide variant.
Coding change: c.983C>G on transcript NM_002860.4 (MANE Select); coding-DNA position 983, C replaced by G.
Protein change: p.Ala328Gly; replaces alanine 328 with glycine.
Molecular consequence: missense variant.
Genome position (GRCh38, 1-based): chr10:95,627,537, G>C on the plus strand (C>G on the coding strand, the complement: ALDH18A1 is on the minus strand). VCF-style: chr10-95627537-G-C. GRCh37 (hg19) VCF-style: chr10-97387294-G-C.
Other names: c.977C>G, p.Ala326Gly (NM_001017423.2, NM_001323415.2); c.650C>G, p.Ala217Gly (NM_001323412.2, NM_001323416.2); c.983C>G, p.Ala328Gly (NM_001323413.2, NM_001323414.2); c.878C>G, p.Ala293Gly (NM_001323417.2); c.644C>G, p.Ala215Gly (NM_001323418.2); c.347C>G, p.Ala116Gly (NM_001323419.2); short protein forms A217G, A293G, A328G, A116G, A215G, A326G.
Identifiers: ClinVar variation 4789174 (VCV004789174.1).

ClinVar aggregate classification (germline): Uncertain significance (1 of 4 stars; one submission).

Conditions:
Cutis laxa, autosomal dominant 3 (ADCL3). Identifiers: Orphanet 90348, MedGen C4225268, MONDO:0014706, OMIM 616603.
Autosomal dominant spastic paraplegia type 9. Identifiers: MedGen C1832669, MONDO:0015091.
de Barsy syndrome. Also called: Cutis laxa-corneal clouding-oligophrenia syndrome. Identifiers: Orphanet 2962, MedGen C0268354, MONDO:0017569.

gnomAD v4.1: 2 of 1,614,086 alleles (0.00012%); highest among the groups gnomAD compares: Non-Finnish European, 0.00017%; no homozygotes.

Submission:

Labcorp Genetics (formerly Invitae), Labcorp
Classification: Uncertain significance for Autosomal dominant spastic paraplegia type 9; de Barsy syndrome; Cutis laxa, autosomal dominant 3. Last evaluated: 2025-11-11. Review status: criteria provided, single submitter. Criteria: Invitae Variant Classification Sherloc (09022015). Collection method: clinical testing. Allele origin: germline.
Comment: This sequence change replaces alanine, which is neutral and non-polar, with glycine, which is neutral and non-polar, at codon 328 of the ALDH18A1 protein (p.Ala328Gly). This variant is not present in population databases (gnomAD no frequency). This variant has not been reported in the literature in individuals affected with ALDH18A1-related conditions. Invitae Evidence Modeling of protein sequence and biophysical properties (such as structural, functional, and spatial information, amino acid conservation, physicochemical variation, residue mobility, and thermodynamic stability) indicates that this missense variant is not expected to disrupt ALDH18A1 protein function with a negative predictive value of 80%. In summary, the available evidence is currently insufficient to determine the role of this variant in disease. Therefore, it has been classified as a Variant of Uncertain Significance.